The following is an entry in ClinVar:

ClinVar aggregate classification (germline): Uncertain significance (1 of 4 stars; one submission).

Submission:

Labcorp Genetics (formerly Invitae), Labcorp
Classification: Uncertain significance. Last evaluated: 2024-11-27. Review status: criteria provided, single submitter. Criteria: Invitae Variant Classification Sherloc (09022015). Collection method: clinical testing. Allele origin: germline.
Comment: This sequence change replaces lysine, which is basic and polar, with arginine, which is basic and polar, at codon 1366 of the SMARCA2 protein (p.Lys1366Arg). This variant is present in population databases (no rsID available, gnomAD 0.003%). This variant has not been reported in the literature in individuals affected with SMARCA2-related conditions. Invitae Evidence Modeling of protein sequence and biophysical properties (such as structural, functional, and spatial information, amino acid conservation, physicochemical variation, residue mobility, and thermodynamic stability) indicates that this missense variant is not expected to disrupt SMARCA2 protein function with a negative predictive value of 80%. In summary, the available evidence is currently insufficient to determine the role of this variant in disease. Therefore, it has been classified as a Variant of Uncertain Significance.

NM_003070.5(SMARCA2):c.4097A>G (p.Lys1366Arg)

Gene: SMARCA2 (SWI/SNF related BAF chromatin remodeling complex subunit ATPase 2; plus strand). Cytogenetic location: 9p24.3.
Variant type: single nucleotide variant.
Coding change: c.4097A>G on transcript NM_003070.5 (MANE Select); coding-DNA position 4097, A replaced by G.
Protein change: p.Lys1366Arg; replaces lysine 1366 with arginine.
Molecular consequence: missense variant.
Genome position (GRCh38, 1-based): chr9:2,161,801, A>G. VCF-style: chr9-2161801-A-G. GRCh37 (hg19) VCF-style: chr9-2161801-A-G.
Other names: c.4097A>G, p.Lys1366Arg (NM_001289396.2, NM_139045.4); c.3923A>G, p.Lys1308Arg (NM_001289397.2); c.125A>G, p.Lys42Arg (NM_001289398.2); c.209A>G, p.Lys70Arg (NM_001289399.2); c.215A>G, p.Lys72Arg (NM_001289400.2); short protein forms K70R, K1308R, K42R, K72R, K1366R.
Identifiers: ClinVar variation 3719871 (VCV003719871.2).